The following is an entry in ClinVar:

NM_003059.3(SLC22A4):c.466G>A (p.Gly156Ser)

Genes: MIR3936HG (MIR3936 host gene; minus strand), SLC22A4 (solute carrier family 22 member 4; plus strand). Cytogenetic location: 5q31.1.
Variant type: single nucleotide variant.
Coding change: c.466G>A on transcript NM_003059.3 (MANE Select); coding-DNA position 466, G replaced by A.
Protein change: p.Gly156Ser; replaces glycine 156 with serine.
Molecular consequence: missense variant. On other transcripts: non-coding transcript variant (1).
Genome position (GRCh38, 1-based): chr5:132,312,233, G>A. VCF-style: chr5-132312233-G-A. GRCh37 (hg19) VCF-style: chr5-131647926-G-A.
Other names: c.466G>A (NM_003059.2); short protein forms G156S.
Identifiers: ClinVar variation 1910763 (VCV001910763.6), dbSNP rs141478353, ClinGen allele CA3403403.

ClinVar aggregate classification (germline): Uncertain significance. Review status: criteria provided, multiple submitters, no conflicts (2 of 4 stars). 2 submissions from 2 submitters: Uncertain significance (2). Last evaluated 2025-09-02.

Allele frequency attached by ClinVar (database versions not stated): gnomAD 0.00005; TOPMed 0.00007; ESP Exome Variant Server 0.00015.

Submissions (2):

Labcorp Genetics (formerly Invitae), Labcorp
Classification: Uncertain significance. Last evaluated: 2025-09-02. Review status: criteria provided, single submitter. Criteria: Invitae Variant Classification Sherloc (09022015). Collection method: clinical testing. Allele origin: germline.
Comment: This sequence change replaces glycine, which is neutral and non-polar, with serine, which is neutral and polar, at codon 156 of the SLC22A4 protein (p.Gly156Ser). The frequency data for this variant in the population databases is considered unreliable, as metrics indicate poor data quality at this position in the gnomAD database. This variant has not been reported in the literature in individuals affected with SLC22A4-related conditions. ClinVar contains an entry for this variant (Variation ID: 1910763). Invitae Evidence Modeling of protein sequence and biophysical properties (such as structural, functional, and spatial information, amino acid conservation, physicochemical variation, residue mobility, and thermodynamic stability) has been performed for this missense variant. However, the output from this modeling did not meet the statistical confidence thresholds required to predict the impact of this variant on SLC22A4 protein function. In summary, the available evidence is currently insufficient to determine the role of this variant in disease. Therefore, it has been classified as a Variant of Uncertain Significance.

Ambry Genetics
Classification: Uncertain significance. Last evaluated: 2025-04-13. Review status: criteria provided, single submitter. Criteria: Ambry Variant Classification Scheme 2023. Collection method: clinical testing. Allele origin: germline.